The following is an entry in ClinVar:

NM_000069.3(CACNA1S):c.2038G>A (p.Glu680Lys)

Gene: CACNA1S (calcium voltage-gated channel subunit alpha1 S; minus strand). Cytogenetic location: 1q32.1.
Variant type: single nucleotide variant.
Coding change: c.2038G>A on transcript NM_000069.3 (MANE Select); coding-DNA position 2038, G replaced by A.
Protein change: p.Glu680Lys; replaces glutamic acid 680 with lysine.
Molecular consequence: missense variant.
Genome position (GRCh38, 1-based): chr1:201,074,531, C>T on the plus strand (G>A on the coding strand, the complement: CACNA1S is on the minus strand). VCF-style: chr1-201074531-C-T. GRCh37 (hg19) VCF-style: chr1-201043659-C-T.
Other names: short protein forms E680K.
Identifiers: ClinVar variation 3386364 (VCV003386364.1).

ClinVar aggregate classification (germline): Uncertain significance (1 of 4 stars; one submission).

Conditions:
Malignant hyperthermia, susceptibility to, 5 (MHS5). Also called: CACNA1S-Related Malignant Hyperthermia Susceptibility. Identifiers: Orphanet 423, MedGen C1866077, MONDO:0011163, OMIM 601887.

Submission:

All of Us Research Program, National Institutes of Health
Classification: Uncertain significance for Malignant hyperthermia, susceptibility to, 5. Last evaluated: 2024-07-29. Review status: criteria provided, single submitter. Criteria: ACMG Guidelines, 2015. Collection method: clinical testing. Allele origin: germline. Inheritance: Autosomal dominant inheritance. Observed: 1 variant allele, 1 heterozygote.
Comment: This missense variant replaces glutamic acid with lysine at codon 680 of the CACNA1S protein. Computational prediction is inconclusive regarding the impact of this variant on protein structure and function (internally defined REVEL score threshold 0.5 < inconclusive < 0.7, PMID: 27666373). To our knowledge, functional studies have not been reported for this variant. This variant has not been reported in individuals affected with CACNA1S-related disorders in the literature. This variant has not been identified in the general population by the Genome Aggregation Database (gnomAD). The available evidence is insufficient to determine the role of this variant in disease conclusively. Therefore, this variant is classified as a Variant of Uncertain Significance.

This study involves interpretation of variants in research participants for the purpose of population health screening. Participant phenotype was not available at the time of variant classification. Additional details can be found in publication PMID: 35346344, PMCID: PMC8962531